The following is an entry in ClinVar:

ClinVar aggregate classification (germline): Pathogenic/Likely pathogenic. Review status: criteria provided, multiple submitters, no conflicts (2 of 4 stars). 2 submissions from 2 submitters: Pathogenic (1); Likely pathogenic (1). Last evaluated 2024-02-24.

Conditions:
MHC class I deficiency. Identifiers: Orphanet 34592, MedGen C6024714, MONDO:0011476.

Submissions (2):

Labcorp Genetics (formerly Invitae), Labcorp
Classification: Pathogenic for MHC class I deficiency 1. Last evaluated: 2024-02-24. Review status: criteria provided, single submitter. Criteria: Invitae Variant Classification Sherloc (09022015). Collection method: clinical testing. Allele origin: germline.
Comment: This sequence change creates a premature translational stop signal (p.Glu46*) in the TAP1 gene. It is expected to result in an absent or disrupted protein product. Loss-of-function variants in TAP1 are known to be pathogenic (PMID: 10074494, 10074495). Information on the frequency of this variant in the gnomAD database is not available, as this variant may be reported differently in the database. This variant has not been reported in the literature in individuals affected with TAP1-related conditions. ClinVar contains an entry for this variant (Variation ID: 937287). For these reasons, this variant has been classified as Pathogenic.

Women's Health and Genetics/Laboratory Corporation of America, LabCorp
Classification: Likely pathogenic for MHC class I deficiency 1. Last evaluated: 2023-06-16. Review status: criteria provided, single submitter. Criteria: LabCorp Variant Classification Summary - May 2015. Collection method: clinical testing. Allele origin: germline.
Comment: Variant summary: TAP1 c.135_136delinsAT (p.Glu46X) results in a premature termination codon, predicted to cause a truncation of the encoded protein or absence of the protein due to nonsense mediated decay, which are commonly known mechanisms for disease. However, an alternative in-frame start codon is located downstream at Met61 in exon 1. The variant was absent in 187426 control chromosomes (gnomAD), although a different variant that results in the same premature termination (c.136C>T) is found at a frequency of 0.0001174 in 187426 control chromosomes (gnomAD), occuring exclusively in the East Asian subpopulation (0.001546 in 14230 control chromosomes) in the gnomAD dataset. To our knowledge, no occurrence of c.135_136delinsAT in individuals affected with MHC Class I Deficiency and no experimental evidence demonstrating its impact on protein function have been reported. One ClinVar submitter has assessed the variant since 2014: the variant was classified as pathogenic. Based on the evidence outlined above, the variant was classified as likely pathogenic.

Literature cited by the submitters: PubMed 10074494 (cited by Labcorp Genetics (formerly Invitae), Labcorp); PubMed 10074495 (cited by Labcorp Genetics (formerly Invitae), Labcorp).

NM_000593.6(TAP1):c.-46_-45delinsAT

Gene: TAP1 (transporter 1, ATP binding cassette subfamily B member; minus strand). Cytogenetic location: 6p21.32.
Variant type: Indel.
Coding change: c.-46_-45delinsAT on transcript NM_000593.6 (MANE Select); 46 bases upstream of the start codon through 45 bases upstream of the start codon, GG replaced by AT.
Molecular consequence: 5 prime UTR variant.
Genome position (GRCh38, 1-based): chr6:32,853,681-32,853,682, CC replaced by AT on the plus strand (GG replaced by AT on the coding strand, the reverse complement: TAP1 is on the minus strand). VCF-style: chr6-32853681-CC-AT. GRCh37 (hg19) VCF-style: chr6-32821458-CC-AT.
Identifiers: ClinVar variation 937287 (VCV000937287.8), dbSNP rs1770963822, ClinGen allele CA1139659486.